The following is an entry in ClinVar:

ClinVar aggregate classification (germline): Benign (1 of 4 stars; one submission).

Allele frequency attached by ClinVar (database versions not stated): 1000 Genomes Project 0.15595; 1000 Genomes Project 30x 0.16021; TOPMed 0.22991; gnomAD 0.24041.
gnomAD v4.1: 330,356 of 1,244,970 alleles (27%); highest among the groups gnomAD compares: Non-Finnish European, 29%; 46,847 homozygotes.

Submission:

Unidad de Genómica Garrahan, Hospital de Pediatría Garrahan
Classification: Benign. Last evaluated: 2023-11-12. Review status: criteria provided, single submitter. Criteria: ACMG Guidelines, 2015. Collection method: clinical testing. Allele origin: germline. Affected: no. Observed: 29 variant alleles.
Comment: This variant is classified as Benign based on local population frequency. This variant was detected in 30% of patients studied by a panel of primary immunodeficiencies. Number of patients: 29. Only high quality variants are reported.

NM_001330588.2(TPP2):c.784+105C>T

Gene: TPP2 (tripeptidyl peptidase 2; plus strand). Cytogenetic location: 13q33.1.
Variant type: single nucleotide variant.
Coding change: c.784+105C>T on transcript NM_001330588.2 (MANE Select); 105 bases into the intron after coding-DNA position 784, C replaced by T.
Molecular consequence: intron variant.
Genome position (GRCh38, 1-based): chr13:102,623,145, C>T. VCF-style: chr13-102623145-C-T. GRCh37 (hg19) VCF-style: chr13-103275495-C-T.
Other names: c.784+105C>T (NM_001367947.1, NM_003291.4).
Identifiers: ClinVar variation 2628238 (VCV002628238.2), dbSNP rs17507043, ClinGen allele CA13891059.